The following is an entry in ClinVar:

ClinVar aggregate classification (germline): Uncertain significance (1 of 4 stars; one submission).

Conditions:
CHRDL1-related disorder. Also called: CHRDL1-related condition.

Submission:

PreventionGenetics, part of Exact Sciences
Classification: Uncertain significance for CHRDL1-related condition. Last evaluated: 2026-01-08. Review status: criteria provided, single submitter. Criteria: ACMG Guidelines, 2015. Collection method: clinical testing. Allele origin: germline.
Comment: The CHRDL1 c.21G>T variant is predicted to result in the amino acid substitution p.Met7Ile. To our knowledge, this variant has not been reported in the literature or in a large population database (gnomAD), indicating this variant is rare. At this time, the clinical significance of this variant is uncertain due to the absence of conclusive functional and genetic evidence.

NM_001143981.2(CHRDL1):c.21G>T (p.Met7Ile)

Gene: CHRDL1 (chordin like 1; minus strand). Cytogenetic location: Xq23.
Variant type: single nucleotide variant.
Coding change: c.21G>T on transcript NM_001143981.2 (MANE Select); coding-DNA position 21, G replaced by T.
Protein change: p.Met7Ile; replaces methionine 7 with isoleucine.
Molecular consequence: missense variant. On other transcripts: non-coding transcript variant (1).
Genome position (GRCh38, 1-based): chrX:110,792,161, C>A on the plus strand (G>T on the coding strand, the complement: CHRDL1 is on the minus strand). VCF-style: chrX-110792161-C-A. GRCh37 (hg19) VCF-style: chrX-110035389-C-A.
Other names: c.21G>T, p.Met7Ile (NM_001367206.1, NM_001367207.1, NM_001367208.1 and 6 more transcripts); short protein forms M7I.
Identifiers: ClinVar variation 2629983 (VCV002629983.2), dbSNP rs1602437713, ClinGen allele CA414227581.